The following is an entry in ClinVar:

ClinVar aggregate classification (germline): Conflicting classifications of pathogenicity. Review status: criteria provided, conflicting classifications (1 of 4 stars). 7 submissions from 7 submitters: Uncertain significance (4); Likely benign (3). Last evaluated 2026-01-20.

Conditions:
Hereditary cancer-predisposing syndrome. Also called: Neoplastic Syndromes, Hereditary; Tumor predisposition; Hereditary Cancer Syndrome; Hereditary neoplastic syndrome. Identifiers: Orphanet 140162, MedGen C0027672, MeSH D009386, MONDO:0015356.
Neurofibromatosis, type 2 (SWNV). Also called: BILATERAL ACOUSTIC NEUROFIBROMATOSIS; NF2-Related Schwannomatosis; SCHWANNOMATOSIS, VESTIBULAR. Identifiers: Orphanet 637, MedGen C0027832, MONDO:0007039, OMIM 101000. Disease mechanism: loss of function.

Allele frequency attached by ClinVar (database versions not stated): gnomAD exomes 0.00001 and 0.00004; gnomAD 0.00003; TOPMed 0.00003.
gnomAD v4.1: 64 of 1,614,052 alleles (0.004%); highest among the groups gnomAD compares: Non-Finnish European, 0.0053%; no homozygotes.

Submissions (7):

Labcorp Genetics (formerly Invitae), Labcorp
Classification: Likely benign for Neurofibromatosis, type 2. Last evaluated: 2026-01-20. Review status: criteria provided, single submitter. Criteria: Invitae Variant Classification Sherloc (09022015). Collection method: clinical testing. Allele origin: germline.

Color Diagnostics, LLC DBA Color Health
Classification: Likely benign for Neurofibromatosis, type 2. Last evaluated: 2025-11-25. Review status: criteria provided, single submitter. Criteria: ACMG Guidelines, 2015. Collection method: clinical testing. Allele origin: germline.

Women's Health and Genetics/Laboratory Corporation of America, LabCorp
Classification: Uncertain significance. Last evaluated: 2024-12-18. Review status: criteria provided, single submitter. Criteria: LabCorp Variant Classification Summary - May 2015. Collection method: clinical testing. Allele origin: germline.
Comment: Variant summary: NF2 c.1490G>C (p.Ser497Thr) results in a conservative amino acid change in the encoded protein sequence. Four of five in-silico tools predict a benign effect of the variant on protein function. The variant allele was found at a frequency of 8e-06 in 251496 control chromosomes. The available data on variant occurrences in the general population are insufficient to allow any conclusion about variant significance. c.1490G>C has been reported in the literature in at least one individual with clinical features of Neurofibromatosis, type 2 (Wallace_2004). These report(s) do not provide unequivocal conclusions about association of the variant with Neurofibromatosis, type 2. To our knowledge, no experimental evidence demonstrating an impact on protein function has been reported. The following publication has been ascertained in the context of this evaluation (PMID: 15684865). ClinVar contains an entry for this variant (Variation ID: 403231). Based on the evidence outlined above, the variant was classified as uncertain significance.

Blueprint Genetics
Classification: Uncertain significance. Last evaluated: 2024-03-21. Review status: criteria provided, single submitter. Criteria: ACMG Guidelines, 2015. Collection method: clinical testing. Allele origin: germline.

Genome-Nilou Lab
Classification: Uncertain significance for Neurofibromatosis, type 2. Last evaluated: 2021-11-07. Review status: criteria provided, single submitter. Criteria: ACMG Guidelines, 2015. Collection method: clinical testing. Allele origin: germline. Affected: no.

Ambry Genetics
Classification: Likely benign for Hereditary cancer-predisposing syndrome. Last evaluated: 2021-07-02. Review status: criteria provided, single submitter. Criteria: Ambry Variant Classification Scheme 2023. Collection method: clinical testing. Allele origin: germline.

Laboratory for Molecular Medicine, Mass General Brigham Personalized Medicine
Classification: Uncertain significance. Last evaluated: 2016-06-23. Review status: criteria provided, single submitter. Criteria: LMM Criteria. Collection method: clinical testing. Allele origin: germline.
Comment: Variant identified in a genome or exome case(s) and assessed due to predicted null impact of the variant or pathogenic assertions in the literature or databases. Disclaimer: This variant has not undergone full assessment. The following are preliminary notes: Reported in 1 paper

Literature cited by the submitters: PubMed 15684865 (cited by Women's Health and Genetics/Laboratory Corporation of America, LabCorp and Ambry Genetics); PubMed 16983642 (cited by Ambry Genetics).

NM_000268.4(NF2):c.1490G>C (p.Ser497Thr)

Gene: NF2 (NF2, moesin-ezrin-radixin like (MERLIN) tumor suppressor; plus strand). Cytogenetic location: 22q12.2.
Variant type: single nucleotide variant.
Coding change: c.1490G>C on transcript NM_000268.4 (MANE Select); coding-DNA position 1490, G replaced by C.
Protein change: p.Ser497Thr; replaces serine 497 with threonine.
Molecular consequence: missense variant. On other transcripts: non-coding transcript variant (1), intron variant (1).
Genome position (GRCh38, 1-based): chr22:29,678,239, G>C. VCF-style: chr22-29678239-G-C. GRCh37 (hg19) VCF-style: chr22-30074228-G-C.
Other names: c.1490G>C, p.Ser497Thr (NM_181825.3, NM_181832.3, NM_016418.5); c.1364G>C, p.Ser455Thr (NM_181828.3); c.1367G>C, p.Ser456Thr (NM_181829.3); c.1241G>C, p.Ser414Thr (NM_181830.3, NM_181831.3); c.448-16513G>C (NM_181833.3); short protein forms S497T, S455T, S414T, S456T.
Identifiers: ClinVar variation 403231 (VCV000403231.21), dbSNP rs900545157, ClinGen allele CA16609788.